The following is an entry in ClinVar:

NM_002437.5(MPV17):c.283G>A (p.Gly95Ser)

Gene: MPV17 (mitochondrial inner membrane protein MPV17; minus strand). Cytogenetic location: 2p23.3.
Variant type: single nucleotide variant.
Coding change: c.283G>A on transcript NM_002437.5 (MANE Select); coding-DNA position 283, G replaced by A.
Protein change: p.Gly95Ser; replaces glycine 95 with serine.
Molecular consequence: missense variant.
Genome position (GRCh38, 1-based): chr2:27,312,586, C>T on the plus strand (G>A on the coding strand, the complement: MPV17 is on the minus strand). VCF-style: chr2-27312586-C-T. GRCh37 (hg19) VCF-style: chr2-27535453-C-T.
Other names: short protein forms G95S.
Identifiers: ClinVar variation 596898 (VCV000596898.8), dbSNP rs980207020, ClinGen allele CA44518319.
Genomic context (GRCh38, chr2:27,312,586, plus strand): 5'-ACAGTCCATTAAGTGCCCCTACCAGTGGGAGAAAGCAGCCTAGAAAACACGGGGCAAAGC[C>T]CCCCTAGGGAAGAGAAATTAAAGTCCTATGAGTGCTGAAATCCCCACCTACCCCCAACAC-3'
Protein context (NP_002428.1, residues 85-105): ALKKMLLDQG[Gly95Ser]FAPCFLGCFL

ClinVar aggregate classification (germline): Uncertain significance. Review status: criteria provided, multiple submitters, no conflicts (2 of 4 stars). 4 submissions from 4 submitters: Uncertain significance (4). Last evaluated 2022-07-29.

Conditions:
Charcot-Marie-Tooth disease, axonal, type 2EE. Also called: CHARCOT-MARIE-TOOTH NEUROPATHY, TYPE 2EE. Identifiers: MedGen C5193076, MONDO:0032728, OMIM 618400.
Mitochondrial DNA depletion syndrome 6 (hepatocerebral type). Also called: Mitochondrial DNA depletion syndrome type 6; Navajo neurohepatopathy; NAVAJO NEUROPATHY. Identifiers: Orphanet 255229, MedGen C1850406, MONDO:0009747, OMIM 256810.

Allele frequency attached by ClinVar (database versions not stated): gnomAD exomes below 0.00001; gnomAD 0.00001; TOPMed 0.00009.
gnomAD v4.1: 6 of 1,613,956 alleles (0.00037%); highest among the groups gnomAD compares: Admixed American, 0.0083%; no homozygotes.

Submissions (4):

Labcorp Genetics (formerly Invitae), Labcorp
Classification: Uncertain significance. Last evaluated: 2022-07-29. Review status: criteria provided, single submitter. Criteria: Invitae Variant Classification Sherloc (09022015). Collection method: clinical testing. Allele origin: germline.
Comment: This sequence change replaces glycine, which is neutral and non-polar, with serine, which is neutral and polar, at codon 95 of the MPV17 protein (p.Gly95Ser). This variant is present in population databases (no rsID available, gnomAD 0.003%). This variant has not been reported in the literature in individuals affected with MPV17-related conditions. ClinVar contains an entry for this variant (Variation ID: 596898). Advanced modeling of protein sequence and biophysical properties (such as structural, functional, and spatial information, amino acid conservation, physicochemical variation, residue mobility, and thermodynamic stability) performed at Invitae indicates that this missense variant is not expected to disrupt MPV17 protein function. In summary, the available evidence is currently insufficient to determine the role of this variant in disease. Therefore, it has been classified as a Variant of Uncertain Significance.

Blueprint Genetics
Classification: Uncertain significance. Last evaluated: 2022-04-30. Review status: criteria provided, single submitter. Criteria: ACMG Guidelines, 2015. Collection method: clinical testing. Allele origin: germline.

Fulgent Genetics
Classification: Uncertain significance for Mitochondrial DNA depletion syndrome 6 (hepatocerebral type); Charcot-Marie-Tooth disease, axonal, type 2EE. Last evaluated: 2021-07-26. Review status: criteria provided, single submitter. Criteria: ACMG Guidelines, 2015. Collection method: clinical testing. Allele origin: unknown.

Eurofins Ntd Llc (ga)
Classification: Uncertain significance. Last evaluated: 2018-04-19. Review status: criteria provided, single submitter. Criteria: EGL ClinVar v180209 classification definitions. Collection method: clinical testing. Allele origin: germline. Observed: 1 variant allele, 1 heterozygote.